The following is an entry in ClinVar:

NM_006393.3(NEBL):c.1246T>A (p.Leu416Met)

Gene: NEBL (nebulette; minus strand). Cytogenetic location: 10p12.31.
Variant type: single nucleotide variant.
Coding change: c.1246T>A on transcript NM_006393.3 (MANE Select); coding-DNA position 1246, T replaced by A.
Protein change: p.Leu416Met; replaces leucine 416 with methionine.
Molecular consequence: missense variant. On other transcripts: intron variant (9).
Genome position (GRCh38, 1-based): chr10:20,840,831, A>T on the plus strand (T>A on the coding strand, the complement: NEBL is on the minus strand). VCF-style: chr10-20840831-A-T. GRCh37 (hg19) VCF-style: chr10-21129760-A-T.
Other names: c.250-27891T>A (NM_001377326.1, NM_001377327.1, NM_001377328.1); c.358-27891T>A (NM_213569.2, NM_001173484.2, NM_001377322.1); c.301-27891T>A (NM_001377324.1); c.292-27891T>A (NM_001377325.1); c.310-27891T>A (NM_001377323.1); short protein forms L416M.
Identifiers: ClinVar variation 2784061 (VCV002784061.4), dbSNP rs1473800986, ClinGen allele CA376099311.

ClinVar aggregate classification (germline): Uncertain significance. Review status: criteria provided, multiple submitters, no conflicts (2 of 4 stars). 2 submissions from 2 submitters: Uncertain significance (2). Last evaluated 2025-09-08.

Conditions:
Primary dilated cardiomyopathy (DCM). Also called: Dilated Cardiomyopathy. Identifiers: Orphanet 217604, MedGen C0007193, MeSH D002311, MONDO:0005021, HP:0001644. Inheritance: Various modes of inheritance.

gnomAD v4.1: 1 of 1,583,206 alleles (0.000063%); highest among the groups gnomAD compares: Non-Finnish European, 0.000087%; no homozygotes.

Submissions (2):

Women's Health and Genetics/Laboratory Corporation of America, LabCorp
Classification: Uncertain significance. Last evaluated: 2025-09-08. Review status: criteria provided, single submitter. Criteria: LabCorp Variant Classification Summary - May 2015. Collection method: clinical testing. Allele origin: germline.

Labcorp Genetics (formerly Invitae), Labcorp
Classification: Uncertain significance for Primary dilated cardiomyopathy. Last evaluated: 2023-04-09. Review status: criteria provided, single submitter. Criteria: Invitae Variant Classification Sherloc (09022015). Collection method: clinical testing. Allele origin: germline.
Comment: In summary, the available evidence is currently insufficient to determine the role of this variant in disease. Therefore, it has been classified as a Variant of Uncertain Significance. An algorithm developed to predict the effect of missense changes on protein structure and function (PolyPhen-2) suggests that this variant is likely to be disruptive. This variant has not been reported in the literature in individuals affected with NEBL-related conditions. This variant is present in population databases (no rsID available, gnomAD 0.0009%). This sequence change replaces leucine, which is neutral and non-polar, with methionine, which is neutral and non-polar, at codon 416 of the NEBL protein (p.Leu416Met).